The following is an entry in ClinVar:

ClinVar aggregate classification (germline): Uncertain significance (1 of 4 stars; one submission).

Conditions:
Muscular dystrophy-dystroglycanopathy (congenital with brain and eye anomalies), type a, 8 (MDDGA8). Also called: WALKER-WARBURG SYNDROME OR MUSCLE-EYE-BRAIN DISEASE, GTDC2-RELATED. Identifiers: Orphanet 899, MedGen C3553813, MONDO:0013904, OMIM 614830.

Allele frequency attached by ClinVar (database versions not stated): gnomAD 0.00001; ExAC 0.00002; gnomAD exomes 0.00002 and 0.00003; TOPMed 0.00002; ESP Exome Variant Server 0.00008.
gnomAD v4.1: 50 of 1,613,984 alleles (0.0031%); highest among the groups gnomAD compares: East Asian, 0.0045%; no homozygotes.

Submission:

Labcorp Genetics (formerly Invitae), Labcorp
Classification: Uncertain significance for Muscular dystrophy-dystroglycanopathy (congenital with brain and eye anomalies), type a, 8. Last evaluated: 2022-07-03. Review status: criteria provided, single submitter. Criteria: Invitae Variant Classification Sherloc (09022015). Collection method: clinical testing. Allele origin: germline.
Comment: Algorithms developed to predict the effect of missense changes on protein structure and function (SIFT, PolyPhen-2, Align-GVGD) all suggest that this variant is likely to be disruptive. ClinVar contains an entry for this variant (Variation ID: 946630). This variant has not been reported in the literature in individuals affected with POMGNT2-related conditions. This variant is present in population databases (rs143806708, gnomAD 0.004%). This sequence change replaces arginine, which is basic and polar, with cysteine, which is neutral and slightly polar, at codon 77 of the POMGNT2 protein (p.Arg77Cys). In summary, the available evidence is currently insufficient to determine the role of this variant in disease. Therefore, it has been classified as a Variant of Uncertain Significance.

NM_032806.6(POMGNT2):c.229C>T (p.Arg77Cys)

Gene: POMGNT2 (protein O-linked mannose N-acetylglucosaminyltransferase 2 (beta 1,4-); minus strand). Cytogenetic location: 3p22.1.
Variant type: single nucleotide variant.
Coding change: c.229C>T on transcript NM_032806.6 (MANE Select); coding-DNA position 229, C replaced by T.
Protein change: p.Arg77Cys; replaces arginine 77 with cysteine.
Molecular consequence: missense variant.
Genome position (GRCh38, 1-based): chr3:43,081,203, G>A on the plus strand (C>T on the coding strand, the complement: POMGNT2 is on the minus strand). VCF-style: chr3-43081203-G-A. GRCh37 (hg19) VCF-style: chr3-43122695-G-A.
Other names: short protein forms R77C.
Identifiers: ClinVar variation 946630 (VCV000946630.6), dbSNP rs143806708, ClinGen allele CA2340125.